The following is an entry in ClinVar:

NM_004519.4(KCNQ3):c.*4949G>T

Gene: KCNQ3 (potassium voltage-gated channel subfamily Q member 3; minus strand). Cytogenetic location: 8q24.22.
Variant type: single nucleotide variant.
Coding change: c.*4949G>T on transcript NM_004519.4 (MANE Select); 4949 bases downstream of the stop codon, G replaced by T.
Molecular consequence: 3 prime UTR variant.
Genome position (GRCh38, 1-based): chr8:132,124,313, C>A on the plus strand (G>T on the coding strand, the complement: KCNQ3 is on the minus strand). VCF-style: chr8-132124313-C-A. GRCh37 (hg19) VCF-style: chr8-133136560-C-A.
Other names: c.*4949G>T (NM_001204824.2).
Identifiers: ClinVar variation 361800 (VCV000361800.30), dbSNP rs561176499, ClinGen allele CA10627043.

ClinVar aggregate classification (germline): Conflicting classifications of pathogenicity. Review status: criteria provided, conflicting classifications (1 of 4 stars). 2 submissions from 2 submitters: Uncertain significance (1); Benign (1). Last evaluated 2022-10-01.

Conditions:
Seizures, benign familial neonatal, 2. Also called: CONVULSIONS, BENIGN FAMILIAL NEONATAL, 2; Benign Neonatal Epilepsy 2; Seizures, benign neonatal, 2; KCNQ3-Related Benign Familial Neonatal Epilepsy; KCNQ3-Related Self-Limited Familial Neonatal Epilepsy (SLFNE). Identifiers: Orphanet 1949, MedGen C1852581, MONDO:0007366, OMIM 121201.

Allele frequency attached by ClinVar (database versions not stated): 1000 Genomes Project 0.00060; 1000 Genomes Project 30x 0.00094; gnomAD 0.00201; TOPMed 0.00202.

Submissions (2):

CeGaT Center for Human Genetics Tuebingen
Classification: Benign. Last evaluated: 2022-10-01. Review status: criteria provided, single submitter. Criteria: CeGaT Center For Human Genetics Tuebingen Variant Classification Criteria Version 2. Collection method: clinical testing. Allele origin: germline. Affected: yes. Observed: 5 variant alleles.
Comment: KCNQ3: BS1, BS2

Illumina Laboratory Services, Illumina
Classification: Uncertain significance for Seizures, benign familial neonatal, 2. Last evaluated: 2018-01-13. Review status: criteria provided, single submitter. Criteria: ICSL Variant Classification Criteria 13 December 2019. Collection method: clinical testing. Allele origin: germline.